The following is an entry in ClinVar:

NM_017534.6(MYH2):c.1385T>C (p.Val462Ala)

Genes: MYH2 (myosin heavy chain 2; minus strand), MYHAS (myosin heavy chain gene cluster antisense RNA; plus strand). Cytogenetic location: 17p13.1.
Variant type: single nucleotide variant.
Coding change: c.1385T>C on transcript NM_017534.6 (MANE Select); coding-DNA position 1385, T replaced by C.
Protein change: p.Val462Ala; replaces valine 462 with alanine.
Molecular consequence: missense variant.
Genome position (GRCh38, 1-based): chr17:10,539,236, A>G on the plus strand (T>C on the coding strand, the complement: MYH2 is on the minus strand). VCF-style: chr17-10539236-A-G. GRCh37 (hg19) VCF-style: chr17-10442553-A-G.
Other names: c.1385T>C, p.Val462Ala (NM_001100112.2); short protein forms V462A.
Identifiers: ClinVar variation 1514309 (VCV001514309.6), dbSNP rs2142313049, ClinGen allele CA398158681.

ClinVar aggregate classification (germline): Uncertain significance (1 of 4 stars; one submission).

Conditions:
Myopathy, proximal, and ophthalmoplegia (CMYO6). Also called: CONGENITAL MYOPATHY 6 WITH OPHTHALMOPLEGIA; MYOPATHY WITH CONGENITAL JOINT CONTRACTURES, OPHTHALMOPLEGIA, AND RIMMED VACUOLES; INCLUSION BODY MYOPATHY 3, AUTOSOMAL DOMINANT. Identifiers: Orphanet 363677, Orphanet 79091, MedGen C1854106, MONDO:0011577, OMIM 605637.

Submission:

Labcorp Genetics (formerly Invitae), Labcorp
Classification: Uncertain significance for Myopathy, proximal, and ophthalmoplegia. Last evaluated: 2021-08-15. Review status: criteria provided, single submitter. Criteria: Invitae Variant Classification Sherloc (09022015). Collection method: clinical testing. Allele origin: germline.
Comment: In summary, the available evidence is currently insufficient to determine the role of this variant in disease. Therefore, it has been classified as a Variant of Uncertain Significance. Algorithms developed to predict the effect of missense changes on protein structure and function (SIFT, PolyPhen-2, Align-GVGD) all suggest that this variant is likely to be disruptive. This variant has been observed in individual(s) with clinical features of MYH2-related conditions (Invitae). This variant is not present in population databases (ExAC no frequency). This sequence change replaces valine with alanine at codon 462 of the MYH2 protein (p.Val462Ala). The valine residue is highly conserved and there is a small physicochemical difference between valine and alanine.